The following is an entry in ClinVar:

NM_017563.5(IL17RD):c.1722C>G (p.Tyr574Ter)

Genes: IL17RD (interleukin 17 receptor D; minus strand), LOC126806689 (BRD4-independent group 4 enhancer GRCh37_chr3:57131244-57132443; plus strand). Cytogenetic location: 3p14.3.
Variant type: single nucleotide variant.
Coding change: c.1722C>G on transcript NM_017563.5 (MANE Select); coding-DNA position 1722, C replaced by G.
Protein change: p.Tyr574Ter; replaces tyrosine 574 with a stop codon.
Molecular consequence: nonsense.
Genome position (GRCh38, 1-based): chr3:57,097,981, G>C on the plus strand (C>G on the coding strand, the complement: IL17RD is on the minus strand). VCF-style: chr3-57097981-G-C. GRCh37 (hg19) VCF-style: chr3-57132009-G-C.
Other names: c.1722C>G, p.Tyr574Ter (NM_001080973.1); c.1290C>G, p.Tyr430Ter (NM_001318864.2); short protein forms Y430*, Y574*.
Identifiers: ClinVar variation 3006807 (VCV003006807.3), dbSNP rs1706726307, ClinGen allele CA353308717.

ClinVar aggregate classification (germline): Uncertain significance (1 of 4 stars; one submission).

Allele frequency attached by ClinVar (database versions not stated): gnomAD exomes below 0.00001; TOPMed below 0.00001.
gnomAD v4.1: 6 of 1,614,064 alleles (0.00037%); highest among the groups gnomAD compares: Non-Finnish European, 0.00051%; no homozygotes.

Submission:

Labcorp Genetics (formerly Invitae), Labcorp
Classification: Uncertain significance. Last evaluated: 2023-07-30. Review status: criteria provided, single submitter. Criteria: Invitae Variant Classification Sherloc (09022015). Collection method: clinical testing. Allele origin: germline.
Comment: This sequence change creates a premature translational stop signal (p.Tyr574*) in the IL17RD gene. It is expected to result in an absent or disrupted protein product. However, the current clinical and genetic evidence is not sufficient to establish whether loss-of-function variants in IL17RD cause disease. In summary, the available evidence is currently insufficient to determine the role of this variant in disease. Therefore, it has been classified as a Variant of Uncertain Significance. This variant has not been reported in the literature in individuals affected with IL17RD-related conditions. This variant is not present in population databases (gnomAD no frequency).